The following is an entry in ClinVar:

ClinVar aggregate classification (germline): Uncertain significance (1 of 4 stars; one submission).

gnomAD v4.1: 32 of 1,453,000 alleles (0.0022%); highest among the groups gnomAD compares: Admixed American, 0.019%; no homozygotes.

Submission:

Labcorp Genetics (formerly Invitae), Labcorp
Classification: Uncertain significance. Last evaluated: 2025-05-11. Review status: criteria provided, single submitter. Criteria: Invitae Variant Classification Sherloc (09022015). Collection method: clinical testing. Allele origin: germline.
Comment: This sequence change replaces methionine, which is neutral and non-polar, with isoleucine, which is neutral and non-polar, at codon 926 of the BRD4 protein (p.Met926Ile). The frequency data for this variant in the population databases is considered unreliable, as metrics indicate poor data quality at this position in the gnomAD database. This variant has not been reported in the literature in individuals affected with BRD4-related conditions. ClinVar contains an entry for this variant (Variation ID: 3665927). An algorithm developed to predict the effect of missense changes on protein structure and function (PolyPhen-2) suggests that this variant is likely to be tolerated. In summary, the available evidence is currently insufficient to determine the role of this variant in disease. Therefore, it has been classified as a Variant of Uncertain Significance.

NM_001379291.1(BRD4):c.2778G>A (p.Met926Ile)

Gene: BRD4 (bromodomain containing 4; minus strand). Cytogenetic location: 19p13.12.
Variant type: single nucleotide variant.
Coding change: c.2778G>A on transcript NM_001379291.1 (MANE Select); coding-DNA position 2778, G replaced by A.
Protein change: p.Met926Ile; replaces methionine 926 with isoleucine.
Molecular consequence: missense variant.
Genome position (GRCh38, 1-based): chr19:15,243,291, C>T on the plus strand (G>A on the coding strand, the complement: BRD4 is on the minus strand). VCF-style: chr19-15243291-C-T. GRCh37 (hg19) VCF-style: chr19-15354102-C-T.
Other names: c.2778G>A, p.Met926Ile (NM_058243.3); short protein forms M926I.
Identifiers: ClinVar variation 3665927 (VCV003665927.2).